The following is an entry in ClinVar:

ClinVar aggregate classification (germline): Pathogenic (1 of 4 stars; one submission).

Submission:

Labcorp Genetics (formerly Invitae), Labcorp
Classification: Pathogenic. Last evaluated: 2024-01-22. Review status: criteria provided, single submitter. Criteria: Invitae Variant Classification Sherloc (09022015). Collection method: clinical testing. Allele origin: germline.
Comment: This sequence change creates a premature translational stop signal (p.Tyr1061*) in the DUOX2 gene. It is expected to result in an absent or disrupted protein product. Loss-of-function variants in DUOX2 are known to be pathogenic (PMID: 12110737, 18765513, 21565790, 24423310, 24735383). This variant is not present in population databases (gnomAD no frequency). This variant has not been reported in the literature in individuals affected with DUOX2-related conditions. For these reasons, this variant has been classified as Pathogenic.

Literature cited by the submitters: PubMed 12110737; PubMed 18765513; PubMed 21565790; PubMed 24423310; PubMed 24735383.

NM_001363711.2(DUOX2):c.3183C>G (p.Tyr1061Ter)

Gene: DUOX2 (dual oxidase 2; minus strand). Cytogenetic location: 15q21.1.
Variant type: single nucleotide variant.
Coding change: c.3183C>G on transcript NM_001363711.2 (MANE Select); coding-DNA position 3183, C replaced by G.
Protein change: p.Tyr1061Ter; replaces tyrosine 1061 with a stop codon.
Molecular consequence: nonsense.
Genome position (GRCh38, 1-based): chr15:45,100,051, G>C on the plus strand (C>G on the coding strand, the complement: DUOX2 is on the minus strand). VCF-style: chr15-45100051-G-C. GRCh37 (hg19) VCF-style: chr15-45392249-G-C.
Other names: c.3183C>G, p.Tyr1061Ter (NM_014080.5); short protein forms Y1061*.
Identifiers: ClinVar variation 2710757 (VCV002710757.3), dbSNP rs2504750956, ClinGen allele CA392262989.